The following is an entry in ClinVar:

ClinVar aggregate classification (germline): Uncertain significance (1 of 4 stars; one submission).

Conditions:
Hereditary cancer-predisposing syndrome. Also called: Hereditary Cancer Syndrome; Neoplastic Syndromes, Hereditary; Tumor predisposition; Hereditary neoplastic syndrome. Identifiers: Orphanet 140162, MedGen C0027672, MeSH D009386, MONDO:0015356.

Submission:

Ambry Genetics
Classification: Uncertain significance for Hereditary cancer-predisposing syndrome. Last evaluated: 2016-05-10. Review status: criteria provided, single submitter. Criteria: Ambry Variant Classification Scheme 2023. Collection method: clinical testing. Allele origin: germline.
Comment: The p.E185Q variant (also known as c.553G>C), located in coding exon 3 of the RAD51C gene, results from a G to C substitution at nucleotide position 553. The glutamic acid at codon 185 is replaced by glutamine, an amino acid with highly similar properties. This variant was not reported in population based cohorts in the following databases: Database of Single Nucleotide Polymorphisms (dbSNP), NHLBI Exome Sequencing Project (ESP), and 1000 Genomes Project. In the ESP, this variant was not observed in 6503 samples (13006 alleles) with coverage at this position. To date, this alteration has been detected with an allele frequency of approximately 0.001% (greater than 120000 alleles tested) in our clinical cohort. This amino acid position is poorly conserved in available vertebrate species. In addition, this alteration is predicted to be tolerated by in silico analysis. Since supporting evidence is limited at this time, the clinical significance of this alteration remains unclear.

NM_058216.3(RAD51C):c.553G>C (p.Glu185Gln)

Gene: RAD51C (RAD51 paralog C; plus strand). Cytogenetic location: 17q22.
Variant type: single nucleotide variant.
Coding change: c.553G>C on transcript NM_058216.3 (MANE Select); coding-DNA position 553, G replaced by C.
Protein change: p.Glu185Gln; replaces glutamic acid 185 with glutamine.
Molecular consequence: missense variant.
Genome position (GRCh38, 1-based): chr17:58,696,841, G>C. VCF-style: chr17-58696841-G-C. GRCh37 (hg19) VCF-style: chr17-56774202-G-C.
Other names: c.553G>C (LRG_314t1); short protein forms E185Q.
Identifiers: ClinVar variation 480502 (VCV000480502.5), dbSNP rs1555594898, ClinGen allele CA400345364.